The following is an entry in ClinVar:

ClinVar aggregate classification (germline): Uncertain significance. Review status: criteria provided, multiple submitters, no conflicts (2 of 4 stars). 2 submissions from 2 submitters: Uncertain significance (2). Last evaluated 2025-09-04.

Conditions:
Hypertrophic cardiomyopathy. Also called: HYPERTROPHIC MYOCARDIOPATHY. Identifiers: Orphanet 217569, MedGen C0007194, MeSH D002312, MONDO:0005045, HP:0001639.

Allele frequency attached by ClinVar (database versions not stated): gnomAD exomes 0.00001; TOPMed 0.00002.
gnomAD v4.1: 22 of 1,611,252 alleles (0.0014%); highest among the groups gnomAD compares: South Asian, 0.0033%; no homozygotes.

Submissions (2):

Labcorp Genetics (formerly Invitae), Labcorp
Classification: Uncertain significance for Hypertrophic cardiomyopathy. Last evaluated: 2025-09-04. Review status: criteria provided, single submitter. Criteria: Invitae Variant Classification Sherloc (09022015). Collection method: clinical testing. Allele origin: germline.
Comment: This sequence change replaces arginine, which is basic and polar, with cysteine, which is neutral and slightly polar, at codon 616 of the MYOM1 protein (p.Arg616Cys). This variant is present in population databases (no rsID available, gnomAD 0.06%). This variant has not been reported in the literature in individuals affected with MYOM1-related conditions. ClinVar contains an entry for this variant (Variation ID: 1781248). An algorithm developed to predict the effect of missense changes on protein structure and function (PolyPhen-2) suggests that this variant is likely to be disruptive. In summary, the available evidence is currently insufficient to determine the role of this variant in disease. Therefore, it has been classified as a Variant of Uncertain Significance.

Ambry Genetics
Classification: Uncertain significance. Last evaluated: 2025-08-08. Review status: criteria provided, single submitter. Criteria: Ambry Variant Classification Scheme 2023. Collection method: clinical testing. Allele origin: germline.

NM_003803.4(MYOM1):c.1846C>T (p.Arg616Cys)

Gene: MYOM1 (myomesin 1; minus strand). Cytogenetic location: 18p11.31.
Variant type: single nucleotide variant.
Coding change: c.1846C>T on transcript NM_003803.4 (MANE Select); coding-DNA position 1846, C replaced by T.
Protein change: p.Arg616Cys; replaces arginine 616 with cysteine.
Molecular consequence: missense variant.
Genome position (GRCh38, 1-based): chr18:3,149,199, G>A on the plus strand (C>T on the coding strand, the complement: MYOM1 is on the minus strand). VCF-style: chr18-3149199-G-A. GRCh37 (hg19) VCF-style: chr18-3149197-G-A.
Other names: c.1846C>T, p.Arg616Cys (NM_019856.2); short protein forms R616C.
Identifiers: ClinVar variation 1781248 (VCV001781248.9), dbSNP rs766999180, ClinGen allele CA295529171.